The following is an entry in ClinVar:

ClinVar aggregate classification (germline): Likely benign. Review status: criteria provided, multiple submitters, no conflicts (2 of 4 stars). 3 submissions from 3 submitters: Likely benign (3). Last evaluated 2026-09-01.

Conditions:
Occult macular dystrophy (OCMD). Also called: OCCULT MACULAR DYSTROPHY, SUSCEPTIBILITY TO; OMD. Identifiers: Orphanet 247834, MedGen C3150833, MONDO:0013316, OMIM 613587, HP:0030636.

Allele frequency attached by ClinVar (database versions not stated): gnomAD exomes 0.00113; ExAC 0.00133; gnomAD 0.00443 and 0.00472; TOPMed 0.00533; 1000 Genomes Project 30x 0.00578; 1000 Genomes Project 0.00579; ESP Exome Variant Server 0.00628.
gnomAD v4.1: 1,237 of 1,613,510 alleles (0.077%); highest among the groups gnomAD compares: African/African-American, 1.4%; 9 homozygotes.

Submissions (3):

CeGaT Center for Human Genetics Tuebingen
Classification: Likely benign. Last evaluated: 2026-09-01. Review status: criteria provided, single submitter. Criteria: CeGaT Center For Human Genetics Tuebingen Variant Classification Criteria Version 2. Collection method: clinical testing. Allele origin: germline. Affected: yes. Observed: 1 variant allele.
Comment: RP1L1: BP4, BS1

Blueprint Genetics
Classification: Likely benign. Last evaluated: 2024-11-05. Review status: criteria provided, single submitter. Criteria: ACMG Guidelines, 2015. Collection method: clinical testing. Allele origin: germline.

Illumina Laboratory Services, Illumina
Classification: Likely benign for Occult macular dystrophy. Last evaluated: 2017-04-27. Review status: criteria provided, single submitter. Criteria: ICSL Variant Classification Criteria 13 December 2019. Collection method: clinical testing. Allele origin: germline.
Comment: This variant was observed as part of a predisposition screen in an ostensibly healthy population. A literature search was performed for the gene, cDNA change, and amino acid change (where applicable). No publications were found based on this search. Allele frequency data from public databases allowed determination this variant is unlikely to cause disease. Therefore, this variant is classified as likely benign.

NM_178857.6(RP1L1):c.2398C>A (p.Pro800Thr)

Gene: RP1L1 (RP1 like 1). Cytogenetic location: 8p23.1.
Variant type: single nucleotide variant.
Coding change: c.2398C>A on transcript NM_178857.6 (MANE Select); coding-DNA position 2398, C replaced by A.
Protein change: p.Pro800Thr; replaces proline 800 with threonine.
Molecular consequence: missense variant.
Genome position (GRCh38, 1-based): chr8:10,611,700, G>T on the plus strand (C>A on the coding strand, the complement: RP1L1 is on the minus strand). VCF-style: chr8-10611700-G-T. GRCh37 (hg19) VCF-style: chr8-10469210-G-T.
Other names: short protein forms P800T.
Identifiers: ClinVar variation 361346 (VCV000361346.7), dbSNP rs142820770, ClinGen allele CA4624842.